The following is an entry in ClinVar:

ClinVar aggregate classification (germline): Likely benign (0 of 4 stars; one submission).

Conditions:
FRG1-related disorder. Also called: FRG1-related condition.

Submission:

PreventionGenetics, part of Exact Sciences
Classification: Likely benign for FRG1-related condition. Last evaluated: 2022-09-21. Review status: no assertion criteria provided. Collection method: clinical testing. Allele origin: germline.
Comment: This variant is classified as likely benign based on ACMG/AMP sequence variant interpretation guidelines (Richards et al. 2015 PMID: 25741868, with internal and published modifications).

NM_004477.3(FRG1):c.267G>A (p.Glu89=)

Gene: FRG1 (FSHD region gene 1; plus strand). Cytogenetic location: 4q35.2.
Variant type: single nucleotide variant.
Coding change: c.267G>A on transcript NM_004477.3 (MANE Select); coding-DNA position 267, G replaced by A.
Protein change: p.Glu89=; no amino-acid change (glutamic acid 89 retained).
Molecular consequence: synonymous variant.
Genome position (GRCh38, 1-based): chr4:189,953,075, G>A. VCF-style: chr4-189953075-G-A. GRCh37 (hg19) VCF-style: chr4-190874230-G-A.
Identifiers: ClinVar variation 3047662 (VCV003047662.2), dbSNP rs1430246786, ClinGen allele CA645540668.